The following is an entry in ClinVar:

ClinVar aggregate classification (germline): Uncertain significance. Review status: criteria provided, multiple submitters, no conflicts (2 of 4 stars). 3 submissions from 3 submitters: Uncertain significance (3). Last evaluated 2025-03-14.

Conditions:
Inborn genetic diseases. Identifiers: MedGen C0950123, MeSH D030342.
MEGF8-related Carpenter syndrome. Also called: Carpenter syndrome 2. Identifiers: Orphanet 65759, MedGen C3554247, MONDO:0013998, OMIM 614976.

Allele frequency attached by ClinVar (database versions not stated): gnomAD exomes below 0.00001.
gnomAD v4.1: 3 of 1,612,786 alleles (0.00019%); highest among the groups gnomAD compares: Non-Finnish European, 0.00025%; no homozygotes.

Submissions (3):

Ambry Genetics
Classification: Uncertain significance for Inborn genetic diseases. Last evaluated: 2025-03-14. Review status: criteria provided, single submitter. Criteria: Ambry Variant Classification Scheme 2023. Collection method: clinical testing. Allele origin: germline.

GeneDx
Classification: Uncertain significance. Last evaluated: 2019-09-05. Review status: criteria provided, single submitter. Criteria: GeneDx Variant Classification Process June 2021. Collection method: clinical testing. Allele origin: germline. Affected: yes.
Comment: In silico analysis, which includes protein predictors and evolutionary conservation, supports a deleterious effect; Has not been previously published as pathogenic or benign to our knowledge

Geisinger Autism and Developmental Medicine Institute, Geisinger Health System
Classification: Uncertain significance for MEGF8-related Carpenter syndrome. Last evaluated: 2017-08-01. Review status: criteria provided, single submitter. Criteria: ACMG Guidelines, 2015. Collection method: provider interpretation, clinical testing. Allele origin: paternal. Affected: no. Observed: 1 variant allele.
Comment: The variant is absent from the gnomAD database, and computational models predict it to be deleterious. This variant has not been reported previously in a clinical setting, to our knowledge. A second VUS in MEGF8 (p.Pro2032Ser) was also identified in trans. Clinical correlation with Carpenter syndrome 2 was thought to be poor.

NM_001271938.2(MEGF8):c.6715C>T (p.Arg2239Cys)

Gene: MEGF8 (multiple EGF like domains 8; plus strand). Cytogenetic location: 19q13.2.
Variant type: single nucleotide variant.
Coding change: c.6715C>T on transcript NM_001271938.2 (MANE Select); coding-DNA position 6715, C replaced by T.
Protein change: p.Arg2239Cys; replaces arginine 2239 with cysteine.
Molecular consequence: missense variant.
Genome position (GRCh38, 1-based): chr19:42,369,604, C>T. VCF-style: chr19-42369604-C-T. GRCh37 (hg19) VCF-style: chr19-42873756-C-T.
Other names: c.6514C>T, p.Arg2172Cys (NM_001410.3); short protein forms R2172C, R2239C.
Identifiers: ClinVar variation 560254 (VCV000560254.6), dbSNP rs1174809027, ClinGen allele CA406135010.